The following is an entry in ClinVar:

NM_007078.3(LDB3):c.59G>T (p.Gly20Val)

Gene: LDB3 (LIM domain binding 3; plus strand). Cytogenetic location: 10q23.2.
Variant type: single nucleotide variant.
Coding change: c.59G>T on transcript NM_007078.3 (MANE Select); coding-DNA position 59, G replaced by T.
Protein change: p.Gly20Val; replaces glycine 20 with valine.
Molecular consequence: missense variant.
Genome position (GRCh38, 1-based): chr10:86,668,750, G>T. VCF-style: chr10-86668750-G-T. GRCh37 (hg19) VCF-style: chr10-88428507-G-T.
Other names: c.59G>T, p.Gly20Val (NM_001080114.2, NM_001080115.2, NM_001080116.1 and 8 more transcripts); short protein forms G20V.
Identifiers: ClinVar variation 3641897 (VCV003641897.2).

ClinVar aggregate classification (germline): Uncertain significance (1 of 4 stars; one submission).

Conditions:
Myofibrillar myopathy 4. Also called: Zaspopathy (type). Identifiers: Orphanet 98912, MedGen C4721886, MONDO:0012277, OMIM 609452.

Submission:

Labcorp Genetics (formerly Invitae), Labcorp
Classification: Uncertain significance for Myofibrillar myopathy 4. Last evaluated: 2025-05-05. Review status: criteria provided, single submitter. Criteria: Invitae Variant Classification Sherloc (09022015). Collection method: clinical testing. Allele origin: germline.
Comment: This sequence change replaces glycine, which is neutral and non-polar, with valine, which is neutral and non-polar, at codon 20 of the LDB3 protein (p.Gly20Val). This variant is not present in population databases (gnomAD no frequency). This variant has not been reported in the literature in individuals affected with LDB3-related conditions. ClinVar contains an entry for this variant (Variation ID: 3641897). An algorithm developed to predict the effect of missense changes on protein structure and function (PolyPhen-2) suggests that this variant is likely to be disruptive. In summary, the available evidence is currently insufficient to determine the role of this variant in disease. Therefore, it has been classified as a Variant of Uncertain Significance.